The following is an entry in ClinVar:

NM_001308476.3(CYSLTR2):c.308A>G (p.Asn103Ser)

Gene: CYSLTR2 (cysteinyl leukotriene receptor 2; plus strand). Cytogenetic location: 13q14.2.
Variant type: single nucleotide variant.
Coding change: c.308A>G on transcript NM_001308476.3 (MANE Select); coding-DNA position 308, A replaced by G.
Protein change: p.Asn103Ser; replaces asparagine 103 with serine.
Molecular consequence: missense variant.
Genome position (GRCh38, 1-based): chr13:48,707,125, A>G. VCF-style: chr13-48707125-A-G. GRCh37 (hg19) VCF-style: chr13-49281261-A-G.
Other names: c.308A>G, p.Asn103Ser (NM_001308465.3, NM_001308467.3, NM_001308468.3 and 4 more transcripts); short protein forms N103S.
Identifiers: ClinVar variation 769849 (VCV000769849.29), dbSNP rs116932219, ClinGen allele CA6979509.

ClinVar aggregate classification (germline): Likely benign. Review status: criteria provided, multiple submitters, no conflicts (2 of 4 stars). 3 submissions from 3 submitters: Likely benign (3). Last evaluated 2023-03-01.

Allele frequency attached by ClinVar (database versions not stated): 1000 Genomes Project 0.00260; 1000 Genomes Project 30x 0.00265; gnomAD 0.00427 and 0.00460; ESP Exome Variant Server 0.00484; TOPMed 0.00489.
gnomAD v4.1: 10,198 of 1,614,190 alleles (0.63%); highest among the groups gnomAD compares: Middle Eastern, 1.6%; 50 homozygotes.

Submissions (3):

CeGaT Center for Human Genetics Tuebingen
Classification: Likely benign. Last evaluated: 2023-03-01. Review status: criteria provided, single submitter. Criteria: CeGaT Center For Human Genetics Tuebingen Variant Classification Criteria Version 2. Collection method: clinical testing. Allele origin: germline. Affected: yes. Observed: 1 variant allele.
Comment: CYSLTR2: BP4, BS2

Labcorp Genetics (formerly Invitae), Labcorp
Classification: Likely benign. Last evaluated: 2019-12-31. Review status: criteria provided, single submitter. Criteria: Invitae Variant Classification Sherloc (09022015). Collection method: clinical testing. Allele origin: germline.

Breakthrough Genomics
Classification: Likely benign. Review status: criteria provided, single submitter. Criteria: ACMG Guidelines, 2015. Collection method: not provided. Allele origin: germline. Inheritance: Unknown mechanism. Affected: yes.